The following is an entry in ClinVar:

ClinVar aggregate classification (germline): Uncertain significance (1 of 4 stars; one submission).

Conditions:
Congenital myotonia, autosomal dominant form (THD). Also called: THOMSEN DISEASE; Myotonia congenita autosomal dominant. Identifiers: Orphanet 614, MedGen C2936781, MONDO:0008055, OMIM 160800.
Congenital myotonia, autosomal recessive form. Also called: BECKER DISEASE; Becker Generalized Myotonia; myotonia congenita, autosomal recessive. Identifiers: Orphanet 614, MedGen C0751360, MONDO:0009715, OMIM 255700.

Allele frequency attached by ClinVar (database versions not stated): gnomAD exomes below 0.00001.
gnomAD v4.1: 3 of 1,614,162 alleles (0.00019%); highest among the groups gnomAD compares: South Asian, 0.0011%; no homozygotes.

Submission:

Labcorp Genetics (formerly Invitae), Labcorp
Classification: Uncertain significance for Congenital myotonia, autosomal recessive form; Congenital myotonia, autosomal dominant form. Last evaluated: 2019-10-25. Review status: criteria provided, single submitter. Criteria: Invitae Variant Classification Sherloc (09022015). Collection method: clinical testing. Allele origin: germline.
Comment: This variant is not present in population databases (ExAC no frequency). This variant has not been reported in the literature in individuals with CLCN1-related conditions. Algorithms developed to predict the effect of missense changes on protein structure and function output the following: SIFT: "Tolerated"; PolyPhen-2: "Benign"; Align-GVGD: "Class C0". The alanine amino acid residue is found in multiple mammalian species, suggesting that this missense change does not adversely affect protein function. These predictions have not been confirmed by published functional studies and their clinical significance is uncertain. In summary, the available evidence is currently insufficient to determine the role of this variant in disease. Therefore, it has been classified as a Variant of Uncertain Significance. This sequence change replaces threonine with alanine at codon 917 of the CLCN1 protein (p.Thr917Ala). The threonine residue is weakly conserved and there is a small physicochemical difference between threonine and alanine.

NM_000083.3(CLCN1):c.2749A>G (p.Thr917Ala)

Gene: CLCN1 (chloride voltage-gated channel 1; plus strand). Cytogenetic location: 7q34.
Variant type: single nucleotide variant.
Coding change: c.2749A>G on transcript NM_000083.3 (MANE Select); coding-DNA position 2749, A replaced by G.
Protein change: p.Thr917Ala; replaces threonine 917 with alanine.
Molecular consequence: missense variant. On other transcripts: non-coding transcript variant (1).
Genome position (GRCh38, 1-based): chr7:143,351,747, A>G. VCF-style: chr7-143351747-A-G. GRCh37 (hg19) VCF-style: chr7-143048840-A-G.
Other names: short protein forms T917A.
Identifiers: ClinVar variation 970174 (VCV000970174.9), dbSNP rs1803414359, ClinGen allele CA369653735.
Genomic context (GRCh38, chr7:143,351,747, plus strand): 5'-ACCGGGGCACCTCCATCTTCTGCAGAGAACTGGAACCTGCCTGAGGACAGGCCTGGGGCC[A>G]CTGGAACAGGGGATGTGATTGCTGCCTCCCCAGAGACCCCTGTGCCATCTCCTTCCCCAG-3'
Protein context (NP_000074.3, residues 907-927): WNLPEDRPGA[Thr917Ala]GTGDVIAASP